The following is an entry in ClinVar:

ClinVar aggregate classification (germline): Uncertain significance (1 of 4 stars; one submission).

Conditions:
Malignant hyperthermia, susceptibility to, 5 (MHS5). Also called: CACNA1S-Related Malignant Hyperthermia Susceptibility. Identifiers: Orphanet 423, MedGen C1866077, MONDO:0011163, OMIM 601887.

Allele frequency attached by ClinVar (database versions not stated): gnomAD exomes below 0.00001.
gnomAD v4.1: 5 of 1,614,204 alleles (0.00031%); highest among the groups gnomAD compares: Non-Finnish European, 0.00042%; no homozygotes.

Submission:

All of Us Research Program, National Institutes of Health
Classification: Uncertain significance for Malignant hyperthermia, susceptibility to, 5. Last evaluated: 2023-12-01. Review status: criteria provided, single submitter. Criteria: ACMG Guidelines, 2015. Collection method: clinical testing. Allele origin: germline. Inheritance: Autosomal dominant inheritance. Observed: 1 variant allele, 1 heterozygote.
Comment: This study involves interpretation of variants in research participants for the purpose of population health screening. Participant phenotype was not available at the time of variant classification. Additional details can be found in publication PMID: 35346344, PMCID: PMC8962531

NM_000069.3(CACNA1S):c.3299G>A (p.Cys1100Tyr)

Gene: CACNA1S (calcium voltage-gated channel subunit alpha1 S; minus strand). Cytogenetic location: 1q32.1.
Variant type: single nucleotide variant.
Coding change: c.3299G>A on transcript NM_000069.3 (MANE Select); coding-DNA position 3299, G replaced by A.
Protein change: p.Cys1100Tyr; replaces cysteine 1100 with tyrosine.
Molecular consequence: missense variant.
Genome position (GRCh38, 1-based): chr1:201,060,773, C>T on the plus strand (G>A on the coding strand, the complement: CACNA1S is on the minus strand). VCF-style: chr1-201060773-C-T. GRCh37 (hg19) VCF-style: chr1-201029901-C-T.
Other names: short protein forms C1100Y.
Identifiers: ClinVar variation 3074039 (VCV003074039.1), dbSNP rs2464495017, ClinGen allele CA344160895.